The following is an entry in ClinVar:

NM_000130.5(F5):c.6662G>A (p.Cys2221Tyr)

Gene: F5 (coagulation factor V; minus strand). Cytogenetic location: 1q24.2.
Variant type: single nucleotide variant.
Coding change: c.6662G>A on transcript NM_000130.5 (MANE Select); coding-DNA position 6662, G replaced by A.
Protein change: p.Cys2221Tyr; replaces cysteine 2221 with tyrosine.
Molecular consequence: missense variant.
Genome position (GRCh38, 1-based): chr1:169,514,326, C>T on the plus strand (G>A on the coding strand, the complement: F5 is on the minus strand). VCF-style: chr1-169514326-C-T. GRCh37 (hg19) VCF-style: chr1-169483564-C-T.
Other names: short protein forms C2221Y.
Identifiers: ClinVar variation 1754743 (VCV001754743.2), dbSNP rs1373350559, ClinGen allele CA343117311.

ClinVar aggregate classification (germline): Uncertain significance (1 of 4 stars; one submission).

Conditions:
Inborn genetic diseases. Identifiers: MedGen C0950123, MeSH D030342.

Allele frequency attached by ClinVar (database versions not stated): gnomAD exomes 0.00003.
gnomAD v4.1: 45 of 1,613,314 alleles (0.0028%); highest among the groups gnomAD compares: Non-Finnish European, 0.0038%; no homozygotes.

Submission:

Ambry Genetics
Classification: Uncertain significance for Inborn genetic diseases. Last evaluated: 2021-08-22. Review status: criteria provided, single submitter. Criteria: Ambry Variant Classification Scheme 2023. Collection method: clinical testing. Allele origin: germline.
Comment: The p.C2221Y variant (also known as c.6662G>A), located in coding exon 25 of the F5 gene, results from a G to A substitution at nucleotide position 6662. The cysteine at codon 2221 is replaced by tyrosine, an amino acid with highly dissimilar properties. This amino acid position is conserved. In addition, this alteration is predicted to be deleterious by in silico analysis. Since supporting evidence is limited at this time, the clinical significance of this alteration remains unclear.